The following is an entry in ClinVar:

NM_206933.4(USH2A):c.6713A>C (p.Glu2238Ala)

Gene: USH2A (usherin; minus strand). Cytogenetic location: 1q41.
Variant type: single nucleotide variant.
Coding change: c.6713A>C on transcript NM_206933.4 (MANE Select); coding-DNA position 6713, A replaced by C.
Protein change: p.Glu2238Ala; replaces glutamic acid 2238 with alanine.
Molecular consequence: missense variant.
Genome position (GRCh38, 1-based): chr1:215,993,112, T>G on the plus strand (A>C on the coding strand, the complement: USH2A is on the minus strand). VCF-style: chr1-215993112-T-G. GRCh37 (hg19) VCF-style: chr1-216166454-T-G.
Other names: p.E2238A:GAG>GCG; short protein forms E2238A.
Identifiers: ClinVar variation 48568 (VCV000048568.71), dbSNP rs41277212, ClinGen allele CA143570.
Genomic context (GRCh38, chr1:215,993,112, plus strand): 5'-TTAAAGGAGTCAGGTGAATATGAGTGGGCTTTGGGGGCTGGCACGCCTTCGGGTATGTCC[T>G]CGTCAGTTAGGGCCTCACTGGCCTCACTCACTGTGCACCCACCACCTGTGCAAGCCTAAA-3'
Protein context (NP_996816.3, residues 2228-2248): VSEASEALTD[Glu2238Ala]DIPEGVPAPK

ClinVar aggregate classification (germline): Benign/Likely benign. Review status: criteria provided, multiple submitters, no conflicts (2 of 4 stars). 16 submissions from 16 submitters: Benign (9); Likely benign (3). 4 of the submissions do not count toward it. Last evaluated 2026-09-01.

Conditions:
Usher syndrome type 2A. Also called: RETINAL DISEASE IN USHER SYNDROME TYPE IIA, MODIFIER OF; USHER SYNDROME, TYPE IIA. Identifiers: Orphanet 231178, Orphanet 886, MedGen C1848634, MONDO:0010169, OMIM 276901.
Retinitis pigmentosa 39 (RP39). Identifiers: Orphanet 791, MedGen C3151138, MONDO:0013436, OMIM 613809.

Allele frequency attached by ClinVar (database versions not stated): 1000 Genomes Project 0.00759; gnomAD 0.01940 and 0.01991; ESP Exome Variant Server 0.02153; ExAC 0.02198; 1000 Genomes Project 30x 0.00843; TOPMed 0.01697; gnomAD exomes 0.02219 and 0.02719.
gnomAD v4.1: 42,234 of 1,614,086 alleles (2.6%); highest among the groups gnomAD compares: Non-Finnish European, 3%; 654 homozygotes.

Submissions (16):

CeGaT Center for Human Genetics Tuebingen
Classification: Benign. Last evaluated: 2026-09-01. Review status: criteria provided, single submitter. Criteria: CeGaT Center For Human Genetics Tuebingen Variant Classification Criteria Version 2. Collection method: clinical testing. Allele origin: germline. Affected: yes. Observed: 55 variant alleles.
Comment: USH2A: BP4, BS1, BS2

Labcorp Genetics (formerly Invitae), Labcorp
Classification: Benign. Last evaluated: 2026-02-04. Review status: criteria provided, single submitter. Criteria: Invitae Variant Classification Sherloc (09022015). Collection method: clinical testing. Allele origin: germline.

ARUP Laboratories, Molecular Genetics and Genomics, ARUP Laboratories
Classification: Benign. Last evaluated: 2023-11-22. Review status: criteria provided, single submitter. Criteria: ARUP Molecular Germline Variant Investigation Process 2024. Collection method: clinical testing. Allele origin: germline.

Fulgent Genetics
Classification: Likely benign for Usher syndrome type 2A; Retinitis pigmentosa 39. Last evaluated: 2022-05-03. Review status: criteria provided, single submitter. Criteria: ACMG Guidelines, 2015. Collection method: clinical testing. Allele origin: unknown.

Women's Health and Genetics/Laboratory Corporation of America, LabCorp
Classification: Likely benign. Last evaluated: 2021-12-10. Review status: criteria provided, single submitter. Criteria: LabCorp Variant Classification Summary - May 2015. Collection method: clinical testing. Allele origin: germline.

Mayo Clinic Laboratories, Mayo Clinic
Classification: Benign. Last evaluated: 2021-09-28. Review status: criteria provided, single submitter. Criteria: ACMG Guidelines, 2015. Collection method: clinical testing. Allele origin: germline. Observed: 8 variant alleles.
Comment: BA1, BS1, BS2

Genome-Nilou Lab
Classification: Benign for Usher syndrome type 2A. Last evaluated: 2021-06-10. Review status: criteria provided, single submitter. Criteria: ACMG Guidelines, 2015. Collection method: clinical testing. Allele origin: germline. Affected: no.

GeneDx
Classification: Benign. Last evaluated: 2018-12-20. Review status: criteria provided, single submitter. Criteria: GeneDx Variant Classification Process June 2021. Collection method: clinical testing. Allele origin: germline. Affected: yes.
Comment: This variant is associated with the following publications: (PMID: 21569298, 17085681, 27884173, 23591405)

Athena Diagnostics
Classification: Benign. Last evaluated: 2018-12-06. Review status: criteria provided, single submitter. Criteria: Athena Diagnostics Criteria. Collection method: clinical testing. Allele origin: germline.

Eurofins Ntd Llc (ga)
Classification: Benign. Last evaluated: 2015-01-23. Review status: criteria provided, single submitter. Criteria: EGL Classification Definitions 2015. Collection method: clinical testing. Allele origin: germline. Observed: 1 variant allele, 1 heterozygote.

Laboratory for Molecular Medicine, Mass General Brigham Personalized Medicine
Classification: Benign. Last evaluated: 2009-06-24. Review status: criteria provided, single submitter. Criteria: LMM Criteria. Collection method: clinical testing. Allele origin: germline. Observed: 92 variant alleles.

Breakthrough Genomics
Classification: Likely benign. Review status: criteria provided, single submitter. Criteria: ACMG Guidelines, 2015. Collection method: not provided. Allele origin: germline. Inheritance: Autosomal recessive inheritance. Affected: yes.

Natera, Inc.
Classification: Benign for Usher syndrome type 2A. Last evaluated: 2020-09-16. Review status: no assertion criteria provided. Collection method: clinical testing. Allele origin: germline. Not counted in ClinVar's aggregate classification.

Clinical Genetics DNA and cytogenetics Diagnostics Lab, Erasmus MC, Erasmus Medical Center
Classification: Benign. Review status: no assertion criteria provided. Collection method: clinical testing. Allele origin: germline. Affected: yes. Study: VKGL Data-share Consensus. Not counted in ClinVar's aggregate classification.

Joint Genome Diagnostic Labs from Nijmegen and Maastricht, Radboudumc and MUMC+
Classification: Benign. Review status: no assertion criteria provided. Collection method: clinical testing. Allele origin: germline. Affected: yes. Study: VKGL Data-share Consensus. Not counted in ClinVar's aggregate classification.

NEI Ophthalmic Genomics Laboratory, National Institutes of Health
No classification provided. Review status: no classification provided. Collection method: not provided. Allele origin: not provided. Not counted in ClinVar's aggregate classification.

Literature cited by the submitters: PubMed 17085681 (cited by Laboratory for Molecular Medicine, Mass General Brigham Personalized Medicine); PubMed 18273898 (cited by Laboratory for Molecular Medicine, Mass General Brigham Personalized Medicine).